The following is an entry in ClinVar:

NM_006493.4(CLN5):c.172A>T (p.Lys58Ter)

Genes: CLN5 (CLN5 lysosomal BMP synthase; plus strand), LOC130009913 (ATAC-STARR-seq lymphoblastoid silent region 5414; plus strand). Cytogenetic location: 13q22.3.
Variant type: single nucleotide variant.
Coding change: c.172A>T on transcript NM_006493.4 (MANE Select); coding-DNA position 172, A replaced by T.
Protein change: p.Lys58Ter; replaces lysine 58 with a stop codon.
Molecular consequence: nonsense.
Genome position (GRCh38, 1-based): chr13:76,992,270, A>T. VCF-style: chr13-76992270-A-T. GRCh37 (hg19) VCF-style: chr13-77566405-A-T.
Other names: c.172A>T, p.Lys58Ter (NM_001366624.2); short protein forms K107*, K58*.
Identifiers: ClinVar variation 2505790 (VCV002505790.3), dbSNP rs1280128886, ClinGen allele CA388306950.

ClinVar aggregate classification (germline): Pathogenic/Likely pathogenic. Review status: criteria provided, multiple submitters, no conflicts (2 of 4 stars). 2 submissions from 2 submitters: Pathogenic (1); Likely pathogenic (1). Last evaluated 2024-06-20.

Conditions:
Neuronal ceroid lipofuscinosis. Also called: Neuronal Ceroid Lipofuscinoses. Identifiers: Orphanet 216, Orphanet 79263, MedGen C0027877, MONDO:0016295. Disease mechanism: loss of function.

gnomAD v4.1: 1 of 1,567,862 alleles (0.000064%); highest among the groups gnomAD compares: Admixed American, 0.0018%; no homozygotes.

Submissions (2):

Labcorp Genetics (formerly Invitae), Labcorp
Classification: Pathogenic for Neuronal ceroid lipofuscinosis. Last evaluated: 2024-06-20. Review status: criteria provided, single submitter. Criteria: Invitae Variant Classification Sherloc (09022015). Collection method: clinical testing. Allele origin: germline.
Comment: This sequence change creates a premature translational stop signal (p.Lys107*) in the CLN5 gene. It is expected to result in an absent or disrupted protein product. Loss-of-function variants in CLN5 are known to be pathogenic (PMID: 20157158). The frequency data for this variant in the population databases is considered unreliable, as metrics indicate poor data quality at this position in the gnomAD database. This premature translational stop signal has been observed in individual(s) with neuronal ceroid lipofuscinosis (PMID: 37074398). ClinVar contains an entry for this variant (Variation ID: 2505790). Algorithms developed to predict the effect of sequence changes on RNA splicing suggest that this variant may disrupt the consensus splice site. For these reasons, this variant has been classified as Pathogenic.

GeneDx
Classification: Likely pathogenic. Last evaluated: 2022-12-19. Review status: criteria provided, single submitter. Criteria: GeneDx Variant Classification Process June 2021. Collection method: clinical testing. Allele origin: germline. Affected: yes.
Comment: Nonsense variant predicted to result in protein truncation or nonsense mediated decay in a gene for which loss of function is a known mechanism of disease; Not observed at significant frequency in large population cohorts (gnomAD); Has not been previously published as pathogenic or benign to our knowledge

Literature cited by the submitters: PubMed 20157158 (cited by Labcorp Genetics (formerly Invitae), Labcorp); PubMed 37074398 (cited by Labcorp Genetics (formerly Invitae), Labcorp).